The following is an entry in ClinVar:

NM_005630.3(SLCO2A1):c.1844C>T (p.Ala615Val)

Gene: SLCO2A1 (solute carrier organic anion transporter family member 2A1; minus strand). Cytogenetic location: 3q22.1.
Variant type: single nucleotide variant.
Coding change: c.1844C>T on transcript NM_005630.3 (MANE Select); coding-DNA position 1844, C replaced by T.
Protein change: p.Ala615Val; replaces alanine 615 with valine.
Molecular consequence: missense variant.
Genome position (GRCh38, 1-based): chr3:133,934,801, G>A on the plus strand (C>T on the coding strand, the complement: SLCO2A1 is on the minus strand). VCF-style: chr3-133934801-G-A. GRCh37 (hg19) VCF-style: chr3-133653645-G-A.
Other names: c.1844C>T (NM_005630.2); short protein forms A615V.
Identifiers: ClinVar variation 1396796 (VCV001396796.7), dbSNP rs148426132, ClinGen allele CA2626290.

ClinVar aggregate classification (germline): Uncertain significance. Review status: criteria provided, multiple submitters, no conflicts (2 of 4 stars). 2 submissions from 2 submitters: Uncertain significance (2). Last evaluated 2025-08-29.

Conditions:
Inborn genetic diseases. Identifiers: MedGen C0950123, MeSH D030342.

Allele frequency attached by ClinVar (database versions not stated): gnomAD 0.00001; TOPMed 0.00002; gnomAD exomes 0.00004; ExAC 0.00005; ESP Exome Variant Server 0.00008.
gnomAD v4.1: 62 of 1,611,906 alleles (0.0038%); highest among the groups gnomAD compares: South Asian, 0.022%; no homozygotes.

Submissions (2):

Ambry Genetics
Classification: Uncertain significance for Inborn genetic diseases. Last evaluated: 2025-08-29. Review status: criteria provided, single submitter. Criteria: Ambry Variant Classification Scheme 2023. Collection method: clinical testing. Allele origin: germline.

Labcorp Genetics (formerly Invitae), Labcorp
Classification: Uncertain significance. Last evaluated: 2022-10-23. Review status: criteria provided, single submitter. Criteria: Invitae Variant Classification Sherloc (09022015). Collection method: clinical testing. Allele origin: germline.
Comment: In summary, the available evidence is currently insufficient to determine the role of this variant in disease. Therefore, it has been classified as a Variant of Uncertain Significance. Advanced modeling of protein sequence and biophysical properties (such as structural, functional, and spatial information, amino acid conservation, physicochemical variation, residue mobility, and thermodynamic stability) performed at Invitae indicates that this missense variant is not expected to disrupt SLCO2A1 protein function. ClinVar contains an entry for this variant (Variation ID: 1396796). This variant has not been reported in the literature in individuals affected with SLCO2A1-related conditions. This variant is present in population databases (rs148426132, gnomAD 0.03%). This sequence change replaces alanine, which is neutral and non-polar, with valine, which is neutral and non-polar, at codon 615 of the SLCO2A1 protein (p.Ala615Val).